The following is an entry in ClinVar:

NM_005720.4(ARPC1B):c.446A>C (p.Asp149Ala)

Gene: ARPC1B (actin related protein 2/3 complex subunit 1B; plus strand). Cytogenetic location: 7q22.1.
Variant type: single nucleotide variant.
Coding change: c.446A>C on transcript NM_005720.4 (MANE Select); coding-DNA position 446, A replaced by C.
Protein change: p.Asp149Ala; replaces aspartic acid 149 with alanine.
Molecular consequence: missense variant.
Genome position (GRCh38, 1-based): chr7:99,389,958, A>C. VCF-style: chr7-99389958-A-C. GRCh37 (hg19) VCF-style: chr7-98987581-A-C.
Other names: c.446A>C (NM_005720.3); short protein forms D149A.
Identifiers: ClinVar variation 1433875 (VCV001433875.6), dbSNP rs758400222, ClinGen allele CA4364016.

ClinVar aggregate classification (germline): Uncertain significance. Review status: criteria provided, multiple submitters, no conflicts (2 of 4 stars). 2 submissions from 2 submitters: Uncertain significance (2). Last evaluated 2022-07-21.

Conditions:
Inborn genetic diseases. Identifiers: MedGen C0950123, MeSH D030342.

Allele frequency attached by ClinVar (database versions not stated): gnomAD 0.00001; ExAC 0.00002; gnomAD exomes 0.00002 and 0.00006; TOPMed 0.00002.
gnomAD v4.1: 31 of 1,614,042 alleles (0.0019%); highest among the groups gnomAD compares: Non-Finnish European, 0.00068%; no homozygotes.

Submissions (2):

Labcorp Genetics (formerly Invitae), Labcorp
Classification: Uncertain significance. Last evaluated: 2022-07-21. Review status: criteria provided, single submitter. Criteria: Invitae Variant Classification Sherloc (09022015). Collection method: clinical testing. Allele origin: germline.
Comment: This sequence change replaces aspartic acid, which is acidic and polar, with alanine, which is neutral and non-polar, at codon 149 of the ARPC1B protein (p.Asp149Ala). This variant is present in population databases (rs758400222, gnomAD 0.1%). This variant has not been reported in the literature in individuals affected with ARPC1B-related conditions. ClinVar contains an entry for this variant (Variation ID: 1433875). Algorithms developed to predict the effect of missense changes on protein structure and function are either unavailable or do not agree on the potential impact of this missense change (SIFT: "Deleterious"; PolyPhen-2: "Probably Damaging"; Align-GVGD: "Class C15"). In summary, the available evidence is currently insufficient to determine the role of this variant in disease. Therefore, it has been classified as a Variant of Uncertain Significance.

Ambry Genetics
Classification: Uncertain significance for Inborn genetic diseases. Last evaluated: 2021-08-23. Review status: criteria provided, single submitter. Criteria: Ambry Variant Classification Scheme 2023. Collection method: clinical testing. Allele origin: germline.